The following is an entry in ClinVar:

NM_000038.6(APC):c.1313-15G>A

Gene: APC (APC regulator of Wnt signaling pathway; plus strand). Cytogenetic location: 5q22.2.
Variant type: single nucleotide variant.
Coding change: c.1313-15G>A on transcript NM_000038.6 (MANE Select); 15 bases into the intron before coding-DNA position 1313, G replaced by A.
Molecular consequence: intron variant.
Genome position (GRCh38, 1-based): chr5:112,821,881, G>A. VCF-style: chr5-112821881-G-A. GRCh37 (hg19) VCF-style: chr5-112157578-G-A.
Other names: c.464-15G>A (NM_001407470.1, NM_001354906.2); c.161-15G>A (NM_001407472.1, NM_001407471.1); c.1313-15G>A (NM_001407447.1, NM_001354895.2, NM_001407448.1 and 4 more transcripts); c.1010-15G>A (NM_001407456.1, NM_001407460.1, NM_001407457.1 and 5 more transcripts); c.1229-15G>A (NM_001407452.1, NM_001354899.2); c.926-15G>A (NM_001407469.1, NM_001407467.1); c.1343-15G>A (NM_001407446.1, NM_001354897.2); c.1040-15G>A (NM_001354902.2); and 5 more.
Identifiers: ClinVar variation 3073352 (VCV003073352.2), dbSNP rs1763162239, ClinGen allele CA2578379825.

ClinVar aggregate classification (germline): Likely benign. Review status: criteria provided, multiple submitters, no conflicts (2 of 4 stars). 2 submissions from 2 submitters: Likely benign (2). Last evaluated 2024-03-01.

Conditions:
Classic or attenuated familial adenomatous polyposis. Identifiers: MedGen CN372698, MONDO:0021057.
Familial adenomatous polyposis 1 (FAP1). Also called: POLYPOSIS, ADENOMATOUS INTESTINAL; FAMILIAL ADENOMATOUS POLYPOSIS 1, ATTENUATED. Identifiers: MedGen C2713442, MONDO:0021056, OMIM 175100. Disease mechanism: loss of function.

Allele frequency attached by ClinVar (database versions not stated): gnomAD exomes below 0.00001.
gnomAD v4.1: 3 of 1,594,016 alleles (0.00019%); no homozygotes.

Submissions (2):

Myriad Genetics, Inc.
Classification: Likely benign for Familial adenomatous polyposis 1. Last evaluated: 2024-03-01. Review status: criteria provided, single submitter. Criteria: Myriad Autosomal Dominant, Autosomal Recessive and X-Linked Classification Criteria (2023). Collection method: clinical testing. Allele origin: unknown.
Comment: This variant is considered likely benign. This variant is intronic and is not expected to impact mRNA splicing.

All of Us Research Program, National Institutes of Health
Classification: Likely benign for Classic or attenuated familial adenomatous polyposis. Last evaluated: 2023-09-04. Review status: criteria provided, single submitter. Criteria: ACMG Guidelines, 2015. Collection method: clinical testing. Allele origin: germline. Inheritance: Autosomal dominant inheritance. Observed: 1 variant allele, 1 heterozygote.
Comment: This study involves interpretation of variants in research participants for the purpose of population health screening. Participant phenotype was not available at the time of variant classification. Additional details can be found in publication PMID: 35346344, PMCID: PMC8962531